The following is an entry in ClinVar:

NM_000388.4(CASR):c.1911C>G (p.Phe637Leu)

Gene: CASR (calcium sensing receptor; plus strand). Cytogenetic location: 3q21.1.
Variant type: single nucleotide variant.
Coding change: c.1911C>G on transcript NM_000388.4 (MANE Select); coding-DNA position 1911, C replaced by G.
Protein change: p.Phe637Leu; replaces phenylalanine 637 with leucine.
Molecular consequence: missense variant.
Genome position (GRCh38, 1-based): chr3:122,283,865, C>G. VCF-style: chr3-122283865-C-G. GRCh37 (hg19) VCF-style: chr3-122002712-C-G.
Other names: c.1941C>G, p.Phe647Leu (NM_001178065.2); short protein forms F637L, F647L.
Identifiers: ClinVar variation 1039383 (VCV001039383.9), dbSNP rs2074924937, ClinGen allele CA354157947.

ClinVar aggregate classification (germline): Uncertain significance (1 of 4 stars; one submission).

Conditions:
Familial hypocalciuric hypercalcemia (FHH). Also called: Familial benign hypercalcemia. Identifiers: Orphanet 405, MedGen C1809471, MONDO:0018458.
Autosomal dominant hypocalcemia 1 (HYPOC1). Also called: HYPOCALCEMIA, FAMILIAL. Identifiers: MedGen C3715128, MONDO:0011013, OMIM 601198.

Submission:

Labcorp Genetics (formerly Invitae), Labcorp
Classification: Uncertain significance for Familial hypocalciuric hypercalcemia; Autosomal dominant hypocalcemia 1. Last evaluated: 2020-06-29. Review status: criteria provided, single submitter. Criteria: Invitae Variant Classification Sherloc (09022015). Collection method: clinical testing. Allele origin: germline.
Comment: This variant is not present in population databases (ExAC no frequency). This sequence change replaces phenylalanine with leucine at codon 637 of the CASR protein (p.Phe637Leu). The phenylalanine residue is highly conserved and there is a small physicochemical difference between phenylalanine and leucine. This variant has not been reported in the literature in individuals with CASR-related conditions. In summary, the available evidence is currently insufficient to determine the role of this variant in disease. Therefore, it has been classified as a Variant of Uncertain Significance. Algorithms developed to predict the effect of missense changes on protein structure and function are either unavailable or do not agree on the potential impact of this missense change (SIFT: "Deleterious"; PolyPhen-2: "Possibly Damaging"; Align-GVGD: "Class C15").